The following is an entry in ClinVar:

ClinVar aggregate classification (germline): Uncertain significance. Review status: criteria provided, multiple submitters, no conflicts (2 of 4 stars). 2 submissions from 2 submitters: Uncertain significance (2). Last evaluated 2025-01-12.

Conditions:
Gorlin syndrome. Also called: Nevoid Basal Cell Carcinoma Syndrome; Basal cell nevus syndrome. Identifiers: Orphanet 377, MedGen C0004779, MONDO:0007187.
Medulloblastoma (MDB). Also called: MEDULLOBLASTOMA PREDISPOSITION SYNDROME; Medulloblastoma, somatic. Identifiers: Orphanet 616, MedGen C0025149, MeSH D008527, MONDO:0007959, OMIM 155255, HP:0002885.
Hereditary cancer-predisposing syndrome. Also called: Tumor predisposition; Hereditary neoplastic syndrome; Neoplastic Syndromes, Hereditary; Hereditary Cancer Syndrome. Identifiers: Orphanet 140162, MedGen C0027672, MeSH D009386, MONDO:0015356.

Submissions (2):

Labcorp Genetics (formerly Invitae), Labcorp
Classification: Uncertain significance for Gorlin syndrome; Medulloblastoma. Last evaluated: 2025-01-12. Review status: criteria provided, single submitter. Criteria: Invitae Variant Classification Sherloc (09022015). Collection method: clinical testing. Allele origin: germline.
Comment: This sequence change replaces glutamic acid, which is acidic and polar, with glutamine, which is neutral and polar, at codon 448 of the SUFU protein (p.Glu448Gln). This variant is not present in population databases (gnomAD no frequency). This variant has not been reported in the literature in individuals affected with SUFU-related conditions. ClinVar contains an entry for this variant (Variation ID: 2562344). Invitae Evidence Modeling of protein sequence and biophysical properties (such as structural, functional, and spatial information, amino acid conservation, physicochemical variation, residue mobility, and thermodynamic stability) indicates that this missense variant is not expected to disrupt SUFU protein function with a negative predictive value of 80%. In summary, the available evidence is currently insufficient to determine the role of this variant in disease. Therefore, it has been classified as a Variant of Uncertain Significance.

Ambry Genetics
Classification: Uncertain significance for Hereditary cancer-predisposing syndrome. Last evaluated: 2023-04-08. Review status: criteria provided, single submitter. Criteria: Ambry Variant Classification Scheme 2023. Collection method: clinical testing. Allele origin: germline.
Comment: The p.E448Q variant (also known as c.1342G>C), located in coding exon 11 of the SUFU gene, results from a G to C substitution at nucleotide position 1342. The glutamic acid at codon 448 is replaced by glutamine, an amino acid with highly similar properties. This amino acid position is conserved. In addition, this alteration is predicted to be tolerated by in silico analysis. Since supporting evidence is limited at this time, the clinical significance of this alteration remains unclear.

NM_016169.4(SUFU):c.1342G>C (p.Glu448Gln)

Gene: SUFU (SUFU negative regulator of hedgehog signaling; plus strand). Cytogenetic location: 10q24.32.
Variant type: single nucleotide variant.
Coding change: c.1342G>C on transcript NM_016169.4 (MANE Select); coding-DNA position 1342, G replaced by C.
Protein change: p.Glu448Gln; replaces glutamic acid 448 with glutamine.
Molecular consequence: missense variant.
Genome position (GRCh38, 1-based): chr10:102,627,220, G>C. VCF-style: chr10-102627220-G-C. GRCh37 (hg19) VCF-style: chr10-104386977-G-C.
Other names: short protein forms E448Q.
Identifiers: ClinVar variation 2562344 (VCV002562344.4), dbSNP rs2135954335, ClinGen allele CA377918821.
Genomic context (GRCh38, chr10:102,627,220, plus strand): 5'-CTTGTGCCTTCACAGATTCTGTTGACCGAAGAGTTTGTAGAGAAAATGTTGGAGGATTTA[G>C]AAGATTTGACTTCTCCAGAGGAAGTAAGCTTGTTTGACTTTTCCTGACAACAGGTCCCGT-3'
Protein context (NP_057253.2, residues 438-458): EFVEKMLEDL[Glu448Gln]DLTSPEEFKL